The following is an entry in ClinVar:

ClinVar aggregate classification (germline): Benign/Likely benign. Review status: criteria provided, multiple submitters, no conflicts (2 of 4 stars). 3 submissions from 3 submitters: Benign (2); Likely benign (1). Last evaluated 2025-08-21.

Conditions:
Vitreoretinopathy. Also called: Vitreoretinal degeneration. Identifiers: MedGen C0344290, MONDO:0020248, HP:0007773.

Allele frequency attached by ClinVar (database versions not stated): gnomAD 0.00010 and 0.00016; gnomAD exomes 0.00010 and 0.00028; 1000 Genomes Project 0.00020; TOPMed 0.00025; ExAC 0.00028; 1000 Genomes Project 30x 0.00031.
gnomAD v4.1: 178 of 1,613,942 alleles (0.011%); highest among the groups gnomAD compares: East Asian, 0.29%; no homozygotes.

Submissions (3):

Labcorp Genetics (formerly Invitae), Labcorp
Classification: Benign. Last evaluated: 2025-08-21. Review status: criteria provided, single submitter. Criteria: Invitae Variant Classification Sherloc (09022015). Collection method: clinical testing. Allele origin: germline.

Blueprint Genetics
Classification: Likely benign. Last evaluated: 2024-09-25. Review status: criteria provided, single submitter. Criteria: ACMG Guidelines, 2015. Collection method: clinical testing. Allele origin: germline.

Illumina Laboratory Services, Illumina
Classification: Benign for Vitreoretinopathy. Last evaluated: 2018-01-12. Review status: criteria provided, single submitter. Criteria: ICSL Variant Classification Criteria 13 December 2019. Collection method: clinical testing. Allele origin: germline.
Comment: This variant was observed in the ICSL laboratory as part of a predisposition screen in an ostensibly healthy population. It had not been previously curated by ICSL or reported in the Human Gene Mutation Database (HGMD: prior to June 1st, 2018), and was therefore a candidate for classification through an automated scoring system. Utilizing variant allele frequency, disease prevalence and penetrance estimates, and inheritance mode, an automated score was calculated to assess if this variant is too frequent to cause the disease. Based on the score and internal cut-off values, a variant classified as benign is not then subjected to further curation. The score for this variant resulted in a classification of benign for this disease.

NM_004385.5(VCAN):c.5190A>G (p.Gly1730=)

Genes: VCAN (versican; plus strand), VCAN-AS1 (VCAN antisense RNA 1; minus strand). Cytogenetic location: 5q14.3.
Variant type: single nucleotide variant.
Coding change: c.5190A>G on transcript NM_004385.5 (MANE Select); coding-DNA position 5190, A replaced by G.
Protein change: p.Gly1730=; no amino-acid change (glycine 1730 retained).
Molecular consequence: synonymous variant. On other transcripts: intron variant (2).
Genome position (GRCh38, 1-based): chr5:83,538,193, A>G. VCF-style: chr5-83538193-A-G. GRCh37 (hg19) VCF-style: chr5-82834012-A-G.
Other names: c.2229A>G, p.Gly743= (NM_001164097.2); c.4004-7344A>G (NM_001164098.2); c.1043-7344A>G (NM_001126336.3).
Identifiers: ClinVar variation 354424 (VCV000354424.15), dbSNP rs201888251, ClinGen allele CA3333292.